The following is an entry in ClinVar:

ClinVar aggregate classification (germline): Uncertain significance (1 of 4 stars; one submission).

Conditions:
3-hydroxy-3-methylglutaryl-CoA synthase deficiency (HMGCS2D). Also called: HMG-CoA synthase-2 deficiency; HMGCS2 DEFICIENCY; MITOCHONDRIAL HMG-CoA SYNTHASE DEFICIENCY. Identifiers: Orphanet 35701, MedGen C2751532, MONDO:0011614, OMIM 605911.

Allele frequency attached by ClinVar (database versions not stated): TOPMed below 0.00001; ExAC 0.00002.
gnomAD v4.1: 3 of 1,610,012 alleles (0.00019%); highest among the groups gnomAD compares: South Asian, 0.0022%; no homozygotes.

Submission:

Labcorp Genetics (formerly Invitae), Labcorp
Classification: Uncertain significance for 3-hydroxy-3-methylglutaryl-CoA synthase deficiency. Last evaluated: 2018-08-12. Review status: criteria provided, single submitter. Criteria: Invitae Variant Classification Sherloc (09022015). Collection method: clinical testing. Allele origin: germline.
Comment: This sequence change replaces arginine with methionine at codon 35 of the HMGCS2 protein (p.Arg35Met). The arginine residue is moderately conserved and there is a moderate physicochemical difference between arginine and methionine. This variant also falls at the last nucleotide of exon 1 of the HMGCS2 coding sequence, which is part of the consensus splice site for this exon. This variant is present in population databases (rs751101083, ExAC 0.01%). This variant has not been reported in the literature in individuals with HMGCS2-related disease. Algorithms developed to predict the effect of missense changes on protein structure and function are either unavailable or do not agree on the potential impact of this missense change (SIFT: "Deleterious"; PolyPhen-2: "Benign"; Align-GVGD: "Class C0"). Nucleotide substitutions within the consensus splice site are a relatively common cause of aberrant splicing (PMID: 17576681, 9536098). Algorithms developed to predict the effect of sequence changes on RNA splicing suggest that this variant may disrupt the consensus splice site, but this prediction has not been confirmed by published transcriptional studies. In summary, the available evidence is currently insufficient to determine the role of this variant in disease. Therefore, it has been classified as a Variant of Uncertain Significance.

Literature cited by the submitters: PubMed 17576681; PubMed 9536098.

NM_005518.4(HMGCS2):c.104G>T (p.Arg35Met)

Genes: HMGCS2 (3-hydroxy-3-methylglutaryl-CoA synthase 2; minus strand), LOC122094910 (Sharpr-MPRA regulatory region 1341; plus strand). Cytogenetic location: 1p12.
Variant type: single nucleotide variant.
Coding change: c.104G>T on transcript NM_005518.4 (MANE Select); coding-DNA position 104, G replaced by T.
Protein change: p.Arg35Met; replaces arginine 35 with methionine.
Molecular consequence: missense variant.
Genome position (GRCh38, 1-based): chr1:119,768,741, C>A on the plus strand (G>T on the coding strand, the complement: HMGCS2 is on the minus strand). VCF-style: chr1-119768741-C-A. GRCh37 (hg19) VCF-style: chr1-120311364-C-A.
Other names: c.104G>T, p.Arg35Met (NM_001166107.1); short protein forms R35M.
Identifiers: ClinVar variation 645404 (VCV000645404.8), dbSNP rs751101083, ClinGen allele CA1037979.